The following is an entry in ClinVar:

ClinVar aggregate classification (germline): Conflicting classifications of pathogenicity. Review status: criteria provided, conflicting classifications (1 of 4 stars). 4 submissions from 4 submitters: Uncertain significance (2); Likely benign (2). Last evaluated 2026-01-29.

Conditions:
Inborn genetic diseases. Identifiers: MedGen C0950123, MeSH D030342.
Familial infantile myasthenia (CMS6). Also called: MYASTHENIC SYNDROME, PRESYNAPTIC, CONGENITAL, ASSOCIATED WITH EPISODIC APNEA; MYASTHENIC SYNDROME, CONGENITAL, 6, PRESYNAPTIC; Congenital myasthenic syndrome type 6. Identifiers: Orphanet 590, MedGen C0393929, MONDO:0009689, OMIM 254210.

Allele frequency attached by ClinVar (database versions not stated): gnomAD exomes 0.00004 and 0.00010; ExAC 0.00009; gnomAD 0.00027; 1000 Genomes Project 30x 0.00031; TOPMed 0.00034; 1000 Genomes Project 0.00040; ESP Exome Variant Server 0.00046.
gnomAD v4.1: 111 of 1,614,172 alleles (0.0069%); highest among the groups gnomAD compares: African/African-American, 0.083%; no homozygotes.

Submissions (4):

Labcorp Genetics (formerly Invitae), Labcorp
Classification: Likely benign for Familial infantile myasthenia. Last evaluated: 2026-01-29. Review status: criteria provided, single submitter. Criteria: Invitae Variant Classification Sherloc (09022015). Collection method: clinical testing. Allele origin: germline.

CeGaT Center for Human Genetics Tuebingen
Classification: Uncertain significance. Last evaluated: 2024-10-01. Review status: criteria provided, single submitter. Criteria: CeGaT Center For Human Genetics Tuebingen Variant Classification Criteria Version 2. Collection method: clinical testing. Allele origin: germline. Affected: yes. Observed: 1 variant allele.
Comment: CHAT: PM2

Ambry Genetics
Classification: Uncertain significance for Inborn genetic diseases. Last evaluated: 2021-08-02. Review status: criteria provided, single submitter. Criteria: Ambry Variant Classification Scheme 2023. Collection method: clinical testing. Allele origin: germline.

Breakthrough Genomics
Classification: Likely benign. Review status: criteria provided, single submitter. Criteria: ACMG Guidelines, 2015. Collection method: not provided. Allele origin: germline. Inheritance: Autosomal recessive inheritance. Affected: yes.

NM_020549.5(CHAT):c.1894C>T (p.Arg632Trp)

Gene: CHAT (choline O-acetyltransferase; plus strand). Cytogenetic location: 10q11.23.
Variant type: single nucleotide variant.
Coding change: c.1894C>T on transcript NM_020549.5 (MANE Select); coding-DNA position 1894, C replaced by T.
Protein change: p.Arg632Trp; replaces arginine 632 with tryptophan.
Molecular consequence: missense variant.
Genome position (GRCh38, 1-based): chr10:49,662,699, C>T. VCF-style: chr10-49662699-C-T. GRCh37 (hg19) VCF-style: chr10-50870745-C-T.
Other names: c.1540C>T, p.Arg514Trp (NM_001142929.2, NM_001142934.2, NM_020984.4 and 2 more transcripts); c.1648C>T, p.Arg550Trp (NM_001142933.2); short protein forms R514W, R550W, R632W.
Identifiers: ClinVar variation 664107 (VCV000664107.26), dbSNP rs141127966, ClinGen allele CA5497664.